The following is an entry in ClinVar:

NM_000431.4(MVK):c.368A>T (p.Gln123Leu)

Gene: MVK (mevalonate kinase; plus strand). Cytogenetic location: 12q24.11.
Variant type: single nucleotide variant.
Coding change: c.368A>T on transcript NM_000431.4 (MANE Select); coding-DNA position 368, A replaced by T.
Protein change: p.Gln123Leu; replaces glutamine 123 with leucine.
Molecular consequence: missense variant.
Genome position (GRCh38, 1-based): chr12:109,579,943, A>T. VCF-style: chr12-109579943-A-T. GRCh37 (hg19) VCF-style: chr12-110017748-A-T.
Other names: c.368A>T, p.Gln123Leu (NM_001114185.3, NM_001301182.2); short protein forms Q123L.
Identifiers: ClinVar variation 1045192 (VCV001045192.8), dbSNP rs978964462, ClinGen allele CA243453038.

ClinVar aggregate classification (germline): Uncertain significance (1 of 4 stars; one submission).

Conditions:
Porokeratosis 3, disseminated superficial actinic type (POROK3). Also called: POROKERATOSIS 3, MULTIPLE TYPES; POROKERATOSIS 3, MIBELLI TYPE; POROKERATOSIS, DISSEMINATED SUPERFICIAL ACTINIC, 1. Identifiers: MedGen C1867981, MONDO:0008293, OMIM 175900.
Hyperimmunoglobulin D with periodic fever (HIDS). Also called: Hyperimmunoglobulinemia D; HYPERIMMUNOGLOBULINEMIA D AND PERIODIC FEVER SYNDROME; Hyperimmunoglobulinemia D with periodic fever. Identifiers: Orphanet 343, MedGen C0398691, MONDO:0009849, OMIM 260920.
Mevalonic aciduria (MEVA). Identifiers: Orphanet 29, MedGen C1959626, MONDO:0012481, OMIM 610377.

Allele frequency attached by ClinVar (database versions not stated): gnomAD 0.00001; gnomAD exomes 0.00001; TOPMed 0.00002.

Submission:

Labcorp Genetics (formerly Invitae), Labcorp
Classification: Uncertain significance for Mevalonic aciduria; Hyperimmunoglobulin D with periodic fever; Porokeratosis 3, disseminated superficial actinic type. Last evaluated: 2020-09-30. Review status: criteria provided, single submitter. Criteria: Invitae Variant Classification Sherloc (09022015). Collection method: clinical testing. Allele origin: germline.
Comment: This variant has not been reported in the literature in individuals with MVK-related conditions. In summary, the available evidence is currently insufficient to determine the role of this variant in disease. Therefore, it has been classified as a Variant of Uncertain Significance. Algorithms developed to predict the effect of missense changes on protein structure and function (SIFT, PolyPhen-2, Align-GVGD) all suggest that this variant is likely to be tolerated, but these predictions have not been confirmed by published functional studies and their clinical significance is uncertain. This variant is not present in population databases (ExAC no frequency). This sequence change replaces glutamine with leucine at codon 123 of the MVK protein (p.Gln123Leu). The glutamine residue is weakly conserved and there is a moderate physicochemical difference between glutamine and leucine.